The following is an entry in ClinVar:

ClinVar aggregate classification (germline): Likely benign (0 of 4 stars; one submission).

Conditions:
FLNA-related disorder.

Allele frequency attached by ClinVar (database versions not stated): TOPMed below 0.00001; gnomAD 0.00001.
gnomAD v4.1: 2 of 1,206,853 alleles (0.00017%); highest among the groups gnomAD compares: Non-Finnish European, 0.00011%; no homozygotes.

Submission:

PreventionGenetics, part of Exact Sciences
Classification: Likely benign for FLNA-related condition. Last evaluated: 2023-03-02. Review status: no assertion criteria provided. Collection method: clinical testing. Allele origin: germline.
Comment: This variant is classified as likely benign based on ACMG/AMP sequence variant interpretation guidelines (Richards et al. 2015 PMID: 25741868, with internal and published modifications).

NM_001110556.2(FLNA):c.5238C>G (p.Pro1746=)

Gene: FLNA (filamin A; minus strand). Cytogenetic location: Xq28.
Variant type: single nucleotide variant.
Coding change: c.5238C>G on transcript NM_001110556.2 (MANE Select); coding-DNA position 5238, C replaced by G.
Protein change: p.Pro1746=; no amino-acid change (proline 1746 retained).
Molecular consequence: synonymous variant.
Genome position (GRCh38, 1-based): chrX:154,354,691, G>C on the plus strand (C>G on the coding strand, the complement: FLNA is on the minus strand). VCF-style: chrX-154354691-G-C. GRCh37 (hg19) VCF-style: chrX-153583059-G-C.
Other names: c.5214C>G, p.Pro1738= (NM_001456.4).
Identifiers: ClinVar variation 3046220 (VCV003046220.2), dbSNP rs1201538859, ClinGen allele CA519707119.
Genomic context (GRCh38, chrX:154,354,691, plus strand): 5'-GCCCTGGGCGTAGGTGTACTGTGGGGCCAGCTGCTGAGACCGTAGAGGGGGCTGCACCGA[G>C]GGCTGGTCCCCAGCCAGAGCCTGCAGGGCAAAGCAGAGAGCTGCTGGAGAGTCTGTTGTC-3'
Protein context (NP_001104026.1, residues 1736-1756): FQVTALAGDQ[Pro1746=]SVQPPLRSQQ